The following is an entry in ClinVar:

NM_018706.7(DHTKD1):c.1769G>T (p.Arg590Leu)

Gene: DHTKD1 (dehydrogenase E1 and transketolase domain containing 1; plus strand). Cytogenetic location: 10p14.
Variant type: single nucleotide variant.
Coding change: c.1769G>T on transcript NM_018706.7 (MANE Select); coding-DNA position 1769, G replaced by T.
Protein change: p.Arg590Leu; replaces arginine 590 with leucine.
Molecular consequence: missense variant.
Genome position (GRCh38, 1-based): chr10:12,101,054, G>T. VCF-style: chr10-12101054-G-T. GRCh37 (hg19) VCF-style: chr10-12143053-G-T.
Other names: short protein forms R590L.
Identifiers: ClinVar variation 1417701 (VCV001417701.29), dbSNP rs139836411, ClinGen allele CA5408032.
Genomic context (GRCh38, chr10:12,101,054, plus strand): 5'-ATTAGGTTATTTATGGGAATCTGACTTTTTTTTTCTTGCTTGCTTAAGGTTTTAATGTTC[G>T]TCTAAGTGGCCAAGATGTTGGTCGTGGAACTTTCAGTCAGAGGCATGCAATCGTGGTTTG-3'
Protein context (NP_061176.4, residues 580-600): GSLLAQGFNV[Arg590Leu]LSGQDVGRGT

ClinVar aggregate classification (germline): Uncertain significance. Review status: criteria provided, multiple submitters, no conflicts (2 of 4 stars). 3 submissions from 3 submitters: Uncertain significance (3). Last evaluated 2025-12-17.

Conditions:
2-aminoadipic 2-oxoadipic aciduria (AAKAD). Also called: ALPHA-AMINOADIPIC AND ALPHA-KETOADIPIC ACIDURIA; Aminoadipic aciduria. Identifiers: Orphanet 79154, MedGen C1859817, MONDO:0008774, OMIM 204750.

Allele frequency attached by ClinVar (database versions not stated): TOPMed 0.00006; ESP Exome Variant Server 0.00008.
gnomAD v4.1: 186 of 1,613,452 alleles (0.012%); highest among the groups gnomAD compares: Non-Finnish European, 0.015%; no homozygotes.

Submissions (3):

Labcorp Genetics (formerly Invitae), Labcorp
Classification: Uncertain significance for 2-aminoadipic 2-oxoadipic aciduria. Last evaluated: 2025-12-17. Review status: criteria provided, single submitter. Criteria: Invitae Variant Classification Sherloc (09022015). Collection method: clinical testing. Allele origin: germline.
Comment: This sequence change replaces arginine, which is basic and polar, with leucine, which is neutral and non-polar, at codon 590 of the DHTKD1 protein (p.Arg590Leu). This variant is present in population databases (rs139836411, gnomAD 0.01%). This variant has not been reported in the literature in individuals affected with DHTKD1-related conditions. ClinVar contains an entry for this variant (Variation ID: 1417701). Invitae Evidence Modeling of protein sequence and biophysical properties (such as structural, functional, and spatial information, amino acid conservation, physicochemical variation, residue mobility, and thermodynamic stability) indicates that this missense variant is expected to disrupt DHTKD1 protein function with a positive predictive value of 80%. In summary, the available evidence is currently insufficient to determine the role of this variant in disease. Therefore, it has been classified as a Variant of Uncertain Significance.

CeGaT Center for Human Genetics Tuebingen
Classification: Uncertain significance. Last evaluated: 2024-05-01. Review status: criteria provided, single submitter. Criteria: CeGaT Center For Human Genetics Tuebingen Variant Classification Criteria Version 2. Collection method: clinical testing. Allele origin: germline. Affected: yes. Observed: 1 variant allele.
Comment: DHTKD1: PM2, PP3

Revvity Omics, Revvity
Classification: Uncertain significance. Last evaluated: 2019-01-31. Review status: criteria provided, single submitter. Criteria: ACMG Guidelines, 2015. Collection method: clinical testing. Allele origin: germline.